The following is an entry in ClinVar:

NM_032482.3(DOT1L):c.1275G>A (p.Lys425=)

Gene: DOT1L (DOT1 like histone lysine methyltransferase; plus strand). Cytogenetic location: 19p13.3.
Variant type: single nucleotide variant.
Coding change: c.1275G>A on transcript NM_032482.3 (MANE Select); coding-DNA position 1275, G replaced by A.
Protein change: p.Lys425=; no amino-acid change (lysine 425 retained).
Molecular consequence: synonymous variant.
Genome position (GRCh38, 1-based): chr19:2,210,779, G>A. VCF-style: chr19-2210779-G-A. GRCh37 (hg19) VCF-style: chr19-2210778-G-A.
Other names: c.1275G>A, p.Lys425= (NM_001411141.1).
Identifiers: ClinVar variation 4533496 (VCV004533496.6).

ClinVar aggregate classification (germline): Likely benign (1 of 4 stars; one submission).

gnomAD v4.1: 7,244 of 1,613,070 alleles (0.45%); highest among the groups gnomAD compares: Non-Finnish European, 0.56%; 13 homozygotes.

Submission:

CeGaT Center for Human Genetics Tuebingen
Classification: Likely benign. Last evaluated: 2026-09-01. Review status: criteria provided, single submitter. Criteria: CeGaT Center For Human Genetics Tuebingen Variant Classification Criteria Version 2. Collection method: clinical testing. Allele origin: germline. Affected: yes. Observed: 6 variant alleles.
Comment: DOT1L: BP4, BP7